The following is an entry in ClinVar:

NM_017668.3(NDE1):c.215G>A (p.Arg72His)

Gene: NDE1 (nudE neurodevelopment protein 1; plus strand). Cytogenetic location: 16p13.11.
Variant type: single nucleotide variant.
Coding change: c.215G>A on transcript NM_017668.3 (MANE Select); coding-DNA position 215, G replaced by A.
Protein change: p.Arg72His; replaces arginine 72 with histidine.
Molecular consequence: missense variant.
Genome position (GRCh38, 1-based): chr16:15,667,417, G>A. VCF-style: chr16-15667417-G-A. GRCh37 (hg19) VCF-style: chr16-15761274-G-A.
Other names: c.215G>A, p.Arg72His (NM_001143979.2); short protein forms R72H.
Identifiers: ClinVar variation 290681 (VCV000290681.6), dbSNP rs139632459, ClinGen allele CA7920528.

ClinVar aggregate classification (germline): Uncertain significance. Review status: criteria provided, multiple submitters, no conflicts (2 of 4 stars). 2 submissions from 2 submitters: Uncertain significance (2). Last evaluated 2022-06-27.

Allele frequency attached by ClinVar (database versions not stated): TOPMed 0.00020; gnomAD 0.00026; ESP Exome Variant Server 0.00031; 1000 Genomes Project 30x 0.00047; 1000 Genomes Project 0.00060.
gnomAD v4.1: 70 of 1,613,794 alleles (0.0043%); highest among the groups gnomAD compares: African/African-American, 0.065%; no homozygotes.

Submissions (2):

GeneDx
Classification: Uncertain significance. Last evaluated: 2022-06-27. Review status: criteria provided, single submitter. Criteria: GeneDx Variant Classification Process June 2021. Collection method: clinical testing. Allele origin: germline. Affected: yes.
Comment: In silico analysis supports that this missense variant does not alter protein structure/function; Has not been previously published as pathogenic or benign to our knowledge

Eurofins Ntd Llc (ga)
Classification: Uncertain significance. Last evaluated: 2016-09-14. Review status: criteria provided, single submitter. Criteria: EGL Classification Definitions 2015. Collection method: clinical testing. Allele origin: germline. Observed: 1 variant allele, 1 heterozygote.